The following is an entry in ClinVar:

ClinVar aggregate classification (germline): Uncertain significance. Review status: criteria provided, multiple submitters, no conflicts (2 of 4 stars). 4 submissions from 4 submitters: Uncertain significance (4). Last evaluated 2026-06-10.

Conditions:
Ectopia lentis 1, isolated, autosomal dominant (ECTOL1). Identifiers: Orphanet 1885, MedGen C3541518, MONDO:0007514, OMIM 129600.
Marfan syndrome (MFS). Also called: MARFAN SYNDROME, TYPE I; FBN1-Related Marfan Syndrome; Marfan syndrome, classic; Marfan syndrome type 1; Marfan's syndrome. Identifiers: Orphanet 284963, Orphanet 558, MedGen C0024796, MONDO:0007947, OMIM 154700.
Acromicric dysplasia (ACMICD). Also called: Acromicric skeletal dysplasia. Identifiers: Orphanet 969, MedGen C0265287, MONDO:0007055, OMIM 102370.
Geleophysic dysplasia 2 (GPHYSD2). Identifiers: Orphanet 2623, MedGen C3280054, MONDO:0013612, OMIM 614185.
MASS syndrome (OCTD). Also called: OVERLAP CONNECTIVE TISSUE DISEASE; MASS PHENOTYPE. Identifiers: MedGen C1858556, MONDO:0011431, OMIM 604308.
Stiff skin syndrome (SSKS). Identifiers: Orphanet 2833, MedGen C1861456, MONDO:0008492, OMIM 184900.
Weill-Marchesani syndrome 2, dominant. Also called: FBN1-Related Weill-Marchesani Syndrome; Weill-Marchesani Syndrome, Autosomal Dominant. Identifiers: Orphanet 2084, MedGen C1869115, MONDO:0012013, OMIM 608328.
Progeroid and marfanoid aspect-lipodystrophy syndrome. Also called: MARFANOID-PROGEROID-LIPODYSTROPHY SYNDROME; MARFANOID-PROGEROID SYNDROME; MARFAN-PROGEROID-LIPODYSTROPHY SYNDROME; Marfan lipodystrophy syndrome. Identifiers: Orphanet 300382, MedGen C4310796, MONDO:0014831, OMIM 616914.
Familial thoracic aortic aneurysm and aortic dissection (TAAD). Also called: Thoracic aortic aneurysms and dissections. Identifiers: Orphanet 91387, MedGen C4707243, MONDO:0019625.

Allele frequency attached by ClinVar (database versions not stated): gnomAD 0.00001; gnomAD exomes below 0.00001.

Submissions (4):

Ambry Genetics
Classification: Uncertain significance for Familial thoracic aortic aneurysm and aortic dissection. Last evaluated: 2026-06-10. Review status: criteria provided, single submitter. Criteria: Ambry Variant Classification Scheme 2023. Collection method: clinical testing. Allele origin: germline.
Comment: The c.4007A>G (p.H1336R) alteration is located in exon 33 (coding exon 32) of the FBN1 gene. This alteration results from a A to G substitution at nucleotide position 4007, causing the histidine (H) at amino acid position 1336 to be replaced by an arginine (R). Based on data from gnomAD, the G allele has an overall frequency of 0.001% (2/282658) total alleles studied. The highest observed frequency was 0.014% (1/7220) of Other alleles. Based on insufficient or conflicting evidence, the clinical significance of this alteration remains unclear.

GeneDx
Classification: Uncertain significance. Last evaluated: 2025-08-05. Review status: criteria provided, single submitter. Criteria: GeneDx Variant Classification Process June 2021. Collection method: clinical testing. Allele origin: germline. Affected: yes.
Comment: Not observed at significant frequency in large population cohorts (gnomAD); In silico analysis supports that this missense variant has a deleterious effect on protein structure/function; Has not been previously published as pathogenic or benign to our knowledge; Does not affect a cysteine or calcium-binding residue within an EGF-like domain or a TGF-binding protein domain of the FBN1 gene; cysteine substitutions in the EGF-like domains represent the majority of pathogenic missense changes associated with FBN1-related disorders (PMID: 12938084); This variant is associated with the following publications: (PMID: 12938084)

All of Us Research Program, National Institutes of Health
Classification: Uncertain significance for Marfan syndrome. Last evaluated: 2023-10-06. Review status: criteria provided, single submitter. Criteria: ACMG Guidelines, 2015. Collection method: clinical testing. Allele origin: germline. Inheritance: Autosomal dominant inheritance. Observed: 1 variant allele, 1 heterozygote.
Comment: This missense variant replaces histidine with arginine at codon 1336 of the FBN1 protein. Computational prediction suggests that this variant may have deleterious impact on protein structure and function (internally defined REVEL score threshold >= 0.7, PMID: 27666373). To our knowledge, functional studies have not been reported for this variant. This variant has not been reported in individuals affected with FBN1-related disorders in the literature. This variant has been identified in 2/282658 chromosomes in the general population by the Genome Aggregation Database (gnomAD). The available evidence is insufficient to determine the role of this variant in disease conclusively. Therefore, this variant is classified as a Variant of Uncertain Significance.

This study involves interpretation of variants in research participants for the purpose of population health screening. Participant phenotype was not available at the time of variant classification. Additional details can be found in publication PMID: 35346344, PMCID: PMC8962531

Fulgent Genetics
Classification: Uncertain significance for Acromicric dysplasia; Ectopia lentis 1, isolated, autosomal dominant; Marfan syndrome; Stiff skin syndrome; MASS syndrome; Weill-Marchesani syndrome 2, dominant; Geleophysic dysplasia 2; Progeroid and marfanoid aspect-lipodystrophy syndrome. Last evaluated: 2021-10-16. Review status: criteria provided, single submitter. Criteria: ACMG Guidelines, 2015. Collection method: clinical testing. Allele origin: unknown.

NM_000138.5(FBN1):c.4007A>G (p.His1336Arg)

Gene: FBN1 (fibrillin 1; minus strand). Cytogenetic location: 15q21.1.
Variant type: single nucleotide variant.
Coding change: c.4007A>G on transcript NM_000138.5 (MANE Select); coding-DNA position 4007, A replaced by G.
Protein change: p.His1336Arg; replaces histidine 1336 with arginine.
Molecular consequence: missense variant.
Genome position (GRCh38, 1-based): chr15:48,474,608, T>C on the plus strand (A>G on the coding strand, the complement: FBN1 is on the minus strand). VCF-style: chr15-48474608-T-C. GRCh37 (hg19) VCF-style: chr15-48766805-T-C.
Other names: short protein forms H1336R.
Identifiers: ClinVar variation 263388 (VCV000263388.7), dbSNP rs886038781, ClinGen allele CA10587832.